The following is an entry in ClinVar:

ClinVar aggregate classification (germline): Uncertain significance. Review status: criteria provided, multiple submitters, no conflicts (2 of 4 stars). 2 submissions from 2 submitters: Uncertain significance (2). Last evaluated 2024-11-29.

Conditions:
Inborn genetic diseases. Identifiers: MedGen C0950123, MeSH D030342.

gnomAD v4.1: 1 of 1,611,046 alleles (0.000062%); highest among the groups gnomAD compares: Non-Finnish European, 0.000085%; no homozygotes.

Submissions (2):

Dasa
Classification: Uncertain significance. Last evaluated: 2024-11-29. Review status: criteria provided, single submitter. Criteria: DASA Assertion Criteria. Collection method: clinical testing. Allele origin: germline.
Comment: NM_000168.6(GLI3):c.2423T>A (p.Ile808Lys) is a missense variant that results in the substitution of isoleucine with lysine. This variant is rare in population databases. The currently available literature and clinical evidence are not sufficient to establish a definitive association between this variant and the reported condition. Therefore, this variant is classified as a variant of uncertain significance.

Ambry Genetics
Classification: Uncertain significance for Inborn genetic diseases. Last evaluated: 2024-04-23. Review status: criteria provided, single submitter. Criteria: Ambry Variant Classification Scheme 2023. Collection method: clinical testing. Allele origin: germline.

NM_000168.6(GLI3):c.2423T>A (p.Ile808Lys)

Gene: GLI3 (GLI family zinc finger 3; minus strand). Cytogenetic location: 7p14.1.
Variant type: single nucleotide variant.
Coding change: c.2423T>A on transcript NM_000168.6 (MANE Select); coding-DNA position 2423, T replaced by A.
Protein change: p.Ile808Lys; replaces isoleucine 808 with lysine.
Molecular consequence: missense variant.
Genome position (GRCh38, 1-based): chr7:41,967,604, A>T on the plus strand (T>A on the coding strand, the complement: GLI3 is on the minus strand). VCF-style: chr7-41967604-A-T. GRCh37 (hg19) VCF-style: chr7-42007202-A-T.
Other names: short protein forms I808K.
Identifiers: ClinVar variation 3281569 (VCV003281569.3).